The following is an entry in ClinVar:

ClinVar aggregate classification (germline): Benign. Review status: criteria provided, multiple submitters, no conflicts (2 of 4 stars). 5 submissions from 4 submitters: Benign (5). Last evaluated 2021-07-22.

Conditions:
Congenital myasthenic syndrome 2A. Also called: Myasthenic syndrome, congenital, 2a, slow-channel. Identifiers: Orphanet 590, MedGen C4225374, MONDO:0014581, OMIM 616313.
Congenital myasthenic syndrome 2C. Also called: Myasthenic syndrome, congenital, 2C, associated with acetylcholine receptor deficiency. Identifiers: Orphanet 590, MedGen C4225373, MONDO:0014582, OMIM 616314.

Allele frequency attached by ClinVar (database versions not stated): gnomAD 0.96960 and 0.97154; gnomAD exomes 0.99241 and 0.99701; 1000 Genomes Project 0.96705; 1000 Genomes Project 30x 0.96565; ESP Exome Variant Server 0.96709; ExAC 0.99088; TOPMed 0.96706.
gnomAD v4.1: 1,604,759 of 1,613,656 alleles (99%); highest among the groups gnomAD compares: East Asian, 100%; 798,356 homozygotes.

Submissions (5):

Genome-Nilou Lab
Classification: Benign for Congenital myasthenic syndrome 2C. Last evaluated: 2021-07-22. Review status: criteria provided, single submitter. Criteria: ACMG Guidelines, 2015. Collection method: clinical testing. Allele origin: germline. Affected: no.

Genome-Nilou Lab
Classification: Benign for Congenital myasthenic syndrome 2A. Last evaluated: 2021-07-22. Review status: criteria provided, single submitter. Criteria: ACMG Guidelines, 2015. Collection method: clinical testing. Allele origin: germline. Affected: no.

GeneDx
Classification: Benign. Last evaluated: 2018-06-16. Review status: criteria provided, single submitter. Criteria: GeneDx Variant Classification (06012015). Collection method: clinical testing. Allele origin: germline. Affected: yes.
Comment: This variant is considered likely benign or benign based on one or more of the following criteria: it is a conservative change, it occurs at a poorly conserved position in the protein, it is predicted to be benign by multiple in silico algorithms, and/or has population frequency not consistent with disease.

Breakthrough Genomics
Classification: Benign. Review status: criteria provided, single submitter. Criteria: ACMG Guidelines, 2015. Collection method: not provided. Allele origin: germline. Inheritance: Autosomal recessive inheritance. Affected: yes.

PreventionGenetics, part of Exact Sciences
Classification: Benign. Review status: criteria provided, single submitter. Criteria: ACMG Guidelines, 2015. Collection method: clinical testing. Allele origin: germline.

NM_000747.3(CHRNB1):c.1217+28G>A

Gene: CHRNB1 (cholinergic receptor nicotinic beta 1 subunit; plus strand). Cytogenetic location: 17p13.1.
Variant type: single nucleotide variant.
Coding change: c.1217+28G>A on transcript NM_000747.3 (MANE Select); 28 bases into the intron after coding-DNA position 1217, G replaced by A.
Molecular consequence: intron variant.
Genome position (GRCh38, 1-based): chr17:7,455,484, G>A. VCF-style: chr17-7455484-G-A. GRCh37 (hg19) VCF-style: chr17-7358803-G-A.
Identifiers: ClinVar variation 256772 (VCV000256772.6), dbSNP rs7214344, ClinGen allele CA8348005.